The following is an entry in ClinVar:

ClinVar aggregate classification (germline): Uncertain significance (1 of 4 stars; one submission).

Conditions:
Periventricular nodular heterotopia 6 (PVNH6). Identifiers: Orphanet 2149, MedGen C3809872, MONDO:0014240, OMIM 615544.

Submission:

Baylor Genetics
Classification: Uncertain significance for Periventricular nodular heterotopia 6. Last evaluated: 2020-05-05. Review status: criteria provided, single submitter. Criteria: ACMG Guidelines, 2015. Collection method: clinical testing. Allele origin: unknown. Affected: yes.
Comment: This variant was determined to be of uncertain significance according to ACMG Guidelines, 2015 [PMID:25741868].

NM_018341.3(ERMARD):c.1394+1G>T

Gene: ERMARD (ER membrane associated RNA degradation; plus strand). Cytogenetic location: 6q27.
Variant type: single nucleotide variant.
Coding change: c.1394+1G>T on transcript NM_018341.3 (MANE Select); the canonical splice donor site of the intron after coding-DNA position 1394, G replaced by T.
Molecular consequence: splice donor variant.
Genome position (GRCh38, 1-based): chr6:169,775,347, G>T. VCF-style: chr6-169775347-G-T. GRCh37 (hg19) VCF-style: chr6-170175443-G-T.
Other names: c.1394+1G>T (NM_001278531.2, NM_001278533.2); c.1016+1G>T (NM_001278532.2); c.986+1G>T (NM_001410957.1).
Identifiers: ClinVar variation 1030652 (VCV001030652.1), dbSNP rs781250225, ClinGen allele CA366503389.